The following is an entry in ClinVar:

NM_001365999.1(SZT2):c.10G>A (p.Glu4Lys)

Genes: SZT2 (SZT2 subunit of KICSTOR complex; plus strand), LOC129930379 (ATAC-STARR-seq lymphoblastoid silent region 783; plus strand). Cytogenetic location: 1p34.2.
Variant type: single nucleotide variant.
Coding change: c.10G>A on transcript NM_001365999.1 (MANE Select); coding-DNA position 10, G replaced by A.
Protein change: p.Glu4Lys; replaces glutamic acid 4 with lysine.
Molecular consequence: missense variant.
Genome position (GRCh38, 1-based): chr1:43,389,978, G>A. VCF-style: chr1-43389978-G-A. GRCh37 (hg19) VCF-style: chr1-43855649-G-A.
Other names: c.10G>A, p.Glu4Lys (NM_015284.4); short protein forms E4K.
Identifiers: ClinVar variation 645668 (VCV000645668.9), dbSNP rs1570513799, ClinGen allele CA339990026.

ClinVar aggregate classification (germline): Uncertain significance (1 of 4 stars; one submission).

Allele frequency attached by ClinVar (database versions not stated): gnomAD exomes below 0.00001.
gnomAD v4.1: 1 of 1,399,294 alleles (0.000071%); highest among the groups gnomAD compares: South Asian, 0.0015%; no homozygotes.

Submission:

Labcorp Genetics (formerly Invitae), Labcorp
Classification: Uncertain significance. Last evaluated: 2022-09-01. Review status: criteria provided, single submitter. Criteria: Invitae Variant Classification Sherloc (09022015). Collection method: clinical testing. Allele origin: germline.
Comment: This sequence change replaces glutamic acid, which is acidic and polar, with lysine, which is basic and polar, at codon 4 of the SZT2 protein (p.Glu4Lys). In summary, the available evidence is currently insufficient to determine the role of this variant in disease. Therefore, it has been classified as a Variant of Uncertain Significance. Algorithms developed to predict the effect of missense changes on protein structure and function (SIFT, PolyPhen-2, Align-GVGD) all suggest that this variant is likely to be tolerated. ClinVar contains an entry for this variant (Variation ID: 645668). This variant has not been reported in the literature in individuals affected with SZT2-related conditions. This variant is not present in population databases (gnomAD no frequency).